The following is an entry in ClinVar:

NM_004562.3(PRKN):c.272C>T (p.Ala91Val)

Gene: PRKN (parkin RBR E3 ubiquitin protein ligase; minus strand). Cytogenetic location: 6q26.
Variant type: single nucleotide variant.
Coding change: c.272C>T on transcript NM_004562.3 (MANE Select); coding-DNA position 272, C replaced by T.
Protein change: p.Ala91Val; replaces alanine 91 with valine.
Molecular consequence: missense variant. On other transcripts: intron variant (1).
Genome position (GRCh38, 1-based): chr6:162,262,665, G>A on the plus strand (C>T on the coding strand, the complement: PRKN is on the minus strand). VCF-style: chr6-162262665-G-A. GRCh37 (hg19) VCF-style: chr6-162683697-G-A.
Other names: c.272C>T, p.Ala91Val (NM_013987.3); c.171+180645C>T (NM_013988.3); c.272C>T (NM_004562.2); short protein forms A91V.
Identifiers: ClinVar variation 1505064 (VCV001505064.5), dbSNP rs528661586, ClinGen allele CA4090430.

ClinVar aggregate classification (germline): Uncertain significance. Review status: criteria provided, multiple submitters, no conflicts (2 of 4 stars). 2 submissions from 2 submitters: Uncertain significance (2). Last evaluated 2023-12-16.

Conditions:
Inborn genetic diseases. Identifiers: MedGen C0950123, MeSH D030342.

Allele frequency attached by ClinVar (database versions not stated): gnomAD exomes 0.00002; TOPMed 0.00003; gnomAD 0.00004; ExAC 0.00002; 1000 Genomes Project 30x 0.00016; 1000 Genomes Project 0.00020.

Submissions (2):

Ambry Genetics
Classification: Uncertain significance for Inborn genetic diseases. Last evaluated: 2023-12-16. Review status: criteria provided, single submitter. Criteria: Ambry Variant Classification Scheme 2023. Collection method: clinical testing. Allele origin: germline.

Labcorp Genetics (formerly Invitae), Labcorp
Classification: Uncertain significance. Last evaluated: 2021-12-21. Review status: criteria provided, single submitter. Criteria: Invitae Variant Classification Sherloc (09022015). Collection method: clinical testing. Allele origin: germline.
Comment: This variant has not been reported in the literature in individuals affected with PRKN-related conditions. In summary, the available evidence is currently insufficient to determine the role of this variant in disease. Therefore, it has been classified as a Variant of Uncertain Significance. Advanced modeling of protein sequence and biophysical properties (such as structural, functional, and spatial information, amino acid conservation, physicochemical variation, residue mobility, and thermodynamic stability) performed at Invitae indicates that this missense variant is not expected to disrupt PRKN protein function. This variant is present in population databases (rs528661586, gnomAD 0.007%). This sequence change replaces alanine, which is neutral and non-polar, with valine, which is neutral and non-polar, at codon 91 of the PRKN protein (p.Ala91Val).